The following is an entry in ClinVar:

NM_004984.4(KIF5A):c.589+9G>C

Gene: KIF5A (kinesin family member 5A; plus strand). Cytogenetic location: 12q13.3.
Variant type: single nucleotide variant.
Coding change: c.589+9G>C on transcript NM_004984.4 (MANE Select); 9 bases into the intron after coding-DNA position 589, G replaced by C.
Molecular consequence: intron variant.
Genome position (GRCh38, 1-based): chr12:57,567,222, G>C. VCF-style: chr12-57567222-G-C. GRCh37 (hg19) VCF-style: chr12-57961005-G-C.
Other names: c.322+9G>C (NM_001354705.2).
Identifiers: ClinVar variation 1999288 (VCV001999288.4), dbSNP rs2540497010, ClinGen allele CA2580086539.

ClinVar aggregate classification (germline): Uncertain significance (1 of 4 stars; one submission).

Conditions:
Spastic paraplegia. Identifiers: MedGen C0037772, HP:0001258.

Submission:

Labcorp Genetics (formerly Invitae), Labcorp
Classification: Uncertain significance for Spastic paraplegia. Last evaluated: 2022-05-27. Review status: criteria provided, single submitter. Criteria: Invitae Variant Classification Sherloc (09022015). Collection method: clinical testing. Allele origin: germline.
Comment: In summary, the available evidence is currently insufficient to determine the role of this variant in disease. Therefore, it has been classified as a Variant of Uncertain Significance. Algorithms developed to predict the effect of sequence changes on RNA splicing suggest that this variant may disrupt the consensus splice site. This variant has not been reported in the literature in individuals affected with KIF5A-related conditions. This variant is not present in population databases (gnomAD no frequency). This sequence change falls in intron 7 of the KIF5A gene. It does not directly change the encoded amino acid sequence of the KIF5A protein.